The following is an entry in ClinVar:

ClinVar aggregate classification (germline): Likely pathogenic (1 of 4 stars; one submission).

Conditions:
Cardiovascular phenotype. Identifiers: MedGen CN230736.

Submission:

Molecular Diagnostic Laboratory for Inherited Cardiovascular Disease, Montreal Heart Institute
Classification: Likely pathogenic for Cardiovascular phenotype. Last evaluated: 2024-01-03. Review status: criteria provided, single submitter. Criteria: ACMG Guidelines, 2015. Collection method: clinical testing. Allele origin: germline. Affected: yes.
Comment: PM1_strong, PM2, PP2, PP3

NM_000218.3(KCNQ1):c.1039C>T (p.Leu347Phe)

Gene: KCNQ1 (potassium voltage-gated channel subfamily Q member 1; plus strand). Cytogenetic location: 11p15.5.
Variant type: single nucleotide variant.
Coding change: c.1039C>T on transcript NM_000218.3 (MANE Select); coding-DNA position 1039, C replaced by T.
Protein change: p.Leu347Phe; replaces leucine 347 with phenylalanine.
Molecular consequence: missense variant. On other transcripts: intron variant (2).
Genome position (GRCh38, 1-based): chr11:2,585,218, C>T. VCF-style: chr11-2585218-C-T. GRCh37 (hg19) VCF-style: chr11-2606448-C-T.
Other names: c.769C>T, p.Leu257Phe (NM_001406837.1); c.658C>T, p.Leu220Phe (NM_181798.2); c.1032+1673C>T (NM_001406836.1); c.588+1673C>T (NM_001406838.1); short protein forms L220F, L257F, L347F.
Identifiers: ClinVar variation 3895224 (VCV003895224.1).